The following is an entry in ClinVar:

NM_006379.5(SEMA3C):c.563A>G (p.Tyr188Cys)

Gene: SEMA3C (semaphorin 3C; minus strand). Cytogenetic location: 7q21.11.
Variant type: single nucleotide variant.
Coding change: c.563A>G on transcript NM_006379.5 (MANE Select); coding-DNA position 563, A replaced by G.
Protein change: p.Tyr188Cys; replaces tyrosine 188 with cysteine.
Molecular consequence: missense variant.
Genome position (GRCh38, 1-based): chr7:80,805,734, T>C on the plus strand (A>G on the coding strand, the complement: SEMA3C is on the minus strand). VCF-style: chr7-80805734-T-C. GRCh37 (hg19) VCF-style: chr7-80435050-T-C.
Other names: c.617A>G, p.Tyr206Cys (NM_001350120.2); c.389A>G, p.Tyr130Cys (NM_001350121.2); short protein forms Y130C, Y188C, Y206C.
Identifiers: ClinVar variation 3355228 (VCV003355228.1).

ClinVar aggregate classification (germline): Uncertain significance (0 of 4 stars; one submission).

Conditions:
SEMA3C-related disorder. Also called: SEMA3C-related condition.

Submission:

PreventionGenetics, part of Exact Sciences
Classification: Uncertain significance for SEMA3C-related condition. Last evaluated: 2024-01-01. Review status: no assertion criteria provided. Collection method: clinical testing. Allele origin: germline.
Comment: The SEMA3C c.617A>G variant is predicted to result in the amino acid substitution p.Tyr206Cys. To our knowledge, this variant has not been reported in the literature. This variant is reported in 0.0070% of alleles in individuals of South Asian descent in gnomAD. At this time, the clinical significance of this variant is uncertain due to the absence of conclusive functional and genetic evidence.